The following is an entry in ClinVar:

ClinVar aggregate classification (germline): Likely pathogenic (1 of 4 stars; one submission).

Submission:

GeneDx
Classification: Likely pathogenic. Last evaluated: 2025-08-11. Review status: criteria provided, single submitter. Criteria: GeneDx Variant Classification Process June 2021. Collection method: clinical testing. Allele origin: germline. Affected: yes.
Comment: Frameshift variant predicted to result in protein truncation or nonsense mediated decay in a gene for which loss of function is a known mechanism of disease; Not observed at significant frequency in large population cohorts (gnomAD); Has not been previously published as pathogenic or benign to our knowledge

NM_000124.4(ERCC6):c.2329del (p.Gln777fs)

Gene: ERCC6 (ERCC excision repair 6, chromatin remodeling factor; minus strand). Cytogenetic location: 10q11.23.
Variant type: Deletion.
Coding change: c.2329del on transcript NM_000124.4 (MANE Select); coding-DNA position 2329, one base deleted (C; older notation c.2329delC).
Protein change: p.Gln777fs; shifts the reading frame from glutamine 777.
Molecular consequence: frameshift variant.
Genome position (GRCh38, 1-based): chr10:49,476,268, G deleted on the plus strand (C on the coding strand, the reverse complement: ERCC6 is on the minus strand); the first of 2 consecutive G bases (chr10:49,476,268-49,476,269); deleting either gives the same sequence. VCF-style (leftmost placement, unchanged base first): chr10-49476267-TG-T. GRCh37 (hg19) VCF-style: chr10-50684313-TG-T.
Other names: c.2328delC, p.Gln777Lysfs (NM_000124.2); c.2329del, p.Gln777fs (NM_001346440.2); short protein forms Q777fs.
Identifiers: ClinVar variation 4795451 (VCV004795451.1).